The following is an entry in ClinVar:

ClinVar aggregate classification (germline): Uncertain significance. Review status: criteria provided, single submitter (1 of 4 stars). 2 submissions from 2 submitters: Uncertain significance (1). 1 of the submissions does not count toward it. Last evaluated 2020-08-15.

Conditions:
Microcephaly, normal intelligence and immunodeficiency (NBS). Also called: Nijmegen breakage syndrome; Microcephaly with normal intelligence immunodeficiency and lymphoreticular malignancies; Nonsyndromal microcephaly autosomal recessive with normal intelligence; Seemanova syndrome 2; Ataxia telangiectasia variant V1; SEEMANOVA SYNDROME II. Identifiers: Orphanet 647, MedGen C0398791, MONDO:0009623, OMIM 251260.

Allele frequency attached by ClinVar (database versions not stated): gnomAD exomes below 0.00001; ExAC 0.00001.
gnomAD v4.1: 1 of 1,613,662 alleles (0.000062%); highest among the groups gnomAD compares: East Asian, 0.0022%; no homozygotes.

Submissions (2):

Labcorp Genetics (formerly Invitae), Labcorp
Classification: Uncertain significance for Microcephaly, normal intelligence and immunodeficiency. Last evaluated: 2020-08-15. Review status: criteria provided, single submitter. Criteria: Invitae Variant Classification Sherloc (09022015). Collection method: clinical testing. Allele origin: germline.
Comment: This variant has not been reported in the literature in individuals with NBN-related conditions. This variant is present in population databases (rs764263689, ExAC 0.01%). This sequence change replaces alanine with serine at codon 542 of the NBN protein (p.Ala542Ser). The alanine residue is weakly conserved and there is a moderate physicochemical difference between alanine and serine. Algorithms developed to predict the effect of missense changes on protein structure and function output the following: SIFT: "Tolerated"; PolyPhen-2: "Benign"; Align-GVGD: "Class C0". The serine amino acid residue is found in multiple mammalian species, suggesting that this missense change does not adversely affect protein function. These predictions have not been confirmed by published functional studies and their clinical significance is uncertain. In summary, the available evidence is currently insufficient to determine the role of this variant in disease. Therefore, it has been classified as a Variant of Uncertain Significance.

Natera, Inc.
Classification: Uncertain significance for Nijmegen breakage syndrome. Last evaluated: 2025-02-17. Review status: no assertion criteria provided. Collection method: clinical testing. Allele origin: germline. Not counted in ClinVar's aggregate classification.

NM_002485.5(NBN):c.1624G>T (p.Ala542Ser)

Gene: NBN (nibrin; minus strand). Cytogenetic location: 8q21.3.
Variant type: single nucleotide variant.
Coding change: c.1624G>T on transcript NM_002485.5 (MANE Select); coding-DNA position 1624, G replaced by T.
Protein change: p.Ala542Ser; replaces alanine 542 with serine.
Molecular consequence: missense variant.
Genome position (GRCh38, 1-based): chr8:89,953,465, C>A on the plus strand (G>T on the coding strand, the complement: NBN is on the minus strand). VCF-style: chr8-89953465-C-A. GRCh37 (hg19) VCF-style: chr8-90965693-C-A.
Other names: c.1624G>T (NM_002485.4); c.1378G>T, p.Ala460Ser (NM_001024688.3); short protein forms A542S, A460S.
Identifiers: ClinVar variation 1044506 (VCV001044506.9), dbSNP rs764263689, ClinGen allele CA4802699.